The following is an entry in ClinVar:

ClinVar aggregate classification (germline): Uncertain significance (1 of 4 stars; one submission).

Conditions:
Hereditary cancer-predisposing syndrome. Also called: Hereditary Cancer Syndrome; Hereditary neoplastic syndrome; Neoplastic Syndromes, Hereditary; Tumor predisposition. Identifiers: Orphanet 140162, MedGen C0027672, MeSH D009386, MONDO:0015356.

Submission:

Ambry Genetics
Classification: Uncertain significance for Hereditary cancer-predisposing syndrome. Last evaluated: 2025-06-08. Review status: criteria provided, single submitter. Criteria: Ambry Variant Classification Scheme 2023. Collection method: clinical testing. Allele origin: germline.
Comment: The p.V304L variant (also known as c.910G>C), located in coding exon 4 of the MSH6 gene, results from a G to C substitution at nucleotide position 910. The valine at codon 304 is replaced by leucine, an amino acid with highly similar properties. This amino acid position is conserved. In addition, this alteration is predicted to be tolerated by in silico analysis. Based on the available evidence, the clinical significance of this variant remains unclear.

NM_000179.3(MSH6):c.910G>C (p.Val304Leu)

Gene: MSH6 (mutS homolog 6; plus strand). Cytogenetic location: 2p16.3.
Variant type: single nucleotide variant.
Coding change: c.910G>C on transcript NM_000179.3 (MANE Select); coding-DNA position 910, G replaced by C.
Protein change: p.Val304Leu; replaces valine 304 with leucine.
Molecular consequence: missense variant. On other transcripts: non-coding transcript variant (4), intron variant (1).
Genome position (GRCh38, 1-based): chr2:47,798,893, G>C. VCF-style: chr2-47798893-G-C. GRCh37 (hg19) VCF-style: chr2-48026032-G-C.
Other names: c.910G>C, p.Val304Leu (NM_001406796.1, NM_001406798.1, NM_001406800.1 and 4 more transcripts); c.1006G>C, p.Val336Leu (NM_001406802.1, NM_001406795.1); c.385G>C, p.Val129Leu (NM_001406799.1, NM_001406806.1, NM_001406807.1); c.613G>C, p.Val205Leu (NM_001406801.1, NM_001406797.1, NM_001406827.1 and 10 more transcripts); c.4G>C, p.Val2Leu (NM_001406829.1, NM_001281493.2, NM_001281494.2 and 6 more transcripts); c.628-1773G>C (NM_001407362.1); c.520G>C, p.Val174Leu (NM_001281492.2); c.832G>C, p.Val278Leu (NM_001406804.1); and 2 more; short protein forms V205L, V174L, V306L, V129L, V278L, V336L, V248L, V2L.
Identifiers: ClinVar variation 3913787 (VCV003913787.1).